The following is an entry in ClinVar:

ClinVar aggregate classification (germline): Uncertain significance. Review status: criteria provided, multiple submitters, no conflicts (2 of 4 stars). 4 submissions from 4 submitters: Uncertain significance (3). 1 of the submissions does not count toward it. Last evaluated 2024-11-21.

Conditions:
Inborn genetic diseases. Identifiers: MedGen C0950123, MeSH D030342.
Usher syndrome type 1B (USH1B). Also called: Usher syndrome type IB. Identifiers: MedGen C1848638, MONDO:0700087.

Allele frequency attached by ClinVar (database versions not stated): TOPMed below 0.00001; gnomAD exomes 0.00001; ExAC 0.00004.
gnomAD v4.1: 5 of 1,602,152 alleles (0.00031%); highest among the groups gnomAD compares: Admixed American, 0.0034%; no homozygotes.

Submissions (4):

Ambry Genetics
Classification: Uncertain significance for Inborn genetic diseases. Last evaluated: 2024-11-21. Review status: criteria provided, single submitter. Criteria: Ambry Variant Classification Scheme 2023. Collection method: clinical testing. Allele origin: germline.

Labcorp Genetics (formerly Invitae), Labcorp
Classification: Uncertain significance. Last evaluated: 2024-06-25. Review status: criteria provided, single submitter. Criteria: Invitae Variant Classification Sherloc (09022015). Collection method: clinical testing. Allele origin: germline.
Comment: This sequence change replaces valine, which is neutral and non-polar, with methionine, which is neutral and non-polar, at codon 653 of the MYO7A protein (p.Val653Met). The frequency data for this variant in the population databases is considered unreliable, as metrics indicate poor data quality at this position in the gnomAD database. This variant has not been reported in the literature in individuals affected with MYO7A-related conditions. ClinVar contains an entry for this variant (Variation ID: 991215). Advanced modeling of protein sequence and biophysical properties (such as structural, functional, and spatial information, amino acid conservation, physicochemical variation, residue mobility, and thermodynamic stability) performed at Invitae indicates that this missense variant is not expected to disrupt MYO7A protein function with a negative predictive value of 95%. In summary, the available evidence is currently insufficient to determine the role of this variant in disease. Therefore, it has been classified as a Variant of Uncertain Significance.

Blueprint Genetics
Classification: Uncertain significance. Last evaluated: 2019-02-05. Review status: criteria provided, single submitter. Criteria: ACMG Guidelines, 2015. Collection method: clinical testing. Allele origin: germline.

Natera, Inc.
Classification: Uncertain significance for Usher syndrome type 1B. Last evaluated: 2020-04-16. Review status: no assertion criteria provided. Collection method: clinical testing. Allele origin: germline. Not counted in ClinVar's aggregate classification.

NM_000260.4(MYO7A):c.1957G>A (p.Val653Met)

Gene: MYO7A (myosin VIIA; plus strand). Cytogenetic location: 11q13.5.
Variant type: single nucleotide variant.
Coding change: c.1957G>A on transcript NM_000260.4 (MANE Select); coding-DNA position 1957, G replaced by A.
Protein change: p.Val653Met; replaces valine 653 with methionine.
Molecular consequence: missense variant.
Genome position (GRCh38, 1-based): chr11:77,174,777, G>A. VCF-style: chr11-77174777-G-A. GRCh37 (hg19) VCF-style: chr11-76885823-G-A.
Other names: c.1957G>A (NM_000260.3); c.1957G>A, p.Val653Met (NM_001127180.2); c.1924G>A, p.Val642Met (NM_001369365.1); short protein forms V642M, V653M.
Identifiers: ClinVar variation 991215 (VCV000991215.4), dbSNP rs781885773, ClinGen allele CA6197653.